The following is an entry in ClinVar:

ClinVar aggregate classification (germline): Conflicting classifications of pathogenicity. Review status: criteria provided, conflicting classifications (1 of 4 stars). 2 submissions from 2 submitters: Uncertain significance (1); Likely benign (1). Last evaluated 2025-02-06.

Allele frequency attached by ClinVar (database versions not stated): gnomAD exomes below 0.00001; TOPMed below 0.00001; gnomAD 0.00001.
gnomAD v4.1: 7 of 1,210,173 alleles (0.00058%); highest among the groups gnomAD compares: Non-Finnish European, 0.00056%; no homozygotes.

Submissions (2):

Labcorp Genetics (formerly Invitae), Labcorp
Classification: Uncertain significance. Last evaluated: 2025-02-06. Review status: criteria provided, single submitter. Criteria: Invitae Variant Classification Sherloc (09022015). Collection method: clinical testing. Allele origin: germline.
Comment: This sequence change replaces isoleucine, which is neutral and non-polar, with valine, which is neutral and non-polar, at codon 1338 of the NEXMIF protein (p.Ile1338Val). This variant is not present in population databases (gnomAD no frequency). This variant has not been reported in the literature in individuals affected with NEXMIF-related conditions. ClinVar contains an entry for this variant (Variation ID: 2673245). An algorithm developed to predict the effect of missense changes on protein structure and function (PolyPhen-2) suggests that this variant is likely to be tolerated. In summary, the available evidence is currently insufficient to determine the role of this variant in disease. Therefore, it has been classified as a Variant of Uncertain Significance.

CeGaT Center for Human Genetics Tuebingen
Classification: Likely benign. Last evaluated: 2023-11-01. Review status: criteria provided, single submitter. Criteria: CeGaT Center For Human Genetics Tuebingen Variant Classification Criteria Version 2. Collection method: clinical testing. Allele origin: germline. Affected: yes. Observed: 1 variant allele.
Comment: NEXMIF: BP4

NM_001008537.3(NEXMIF):c.4012A>G (p.Ile1338Val)

Gene: NEXMIF (neurite extension and migration factor; minus strand). Cytogenetic location: Xq13.3.
Variant type: single nucleotide variant.
Coding change: c.4012A>G on transcript NM_001008537.3 (MANE Select); coding-DNA position 4012, A replaced by G.
Protein change: p.Ile1338Val; replaces isoleucine 1338 with valine.
Molecular consequence: missense variant.
Genome position (GRCh38, 1-based): chrX:74,740,545, T>C on the plus strand (A>G on the coding strand, the complement: NEXMIF is on the minus strand). VCF-style: chrX-74740545-T-C. GRCh37 (hg19) VCF-style: chrX-73960380-T-C.
Other names: short protein forms I1338V.
Identifiers: ClinVar variation 2673245 (VCV002673245.25), dbSNP rs1297277744, ClinGen allele CA413664232.